The following is an entry in ClinVar:

ClinVar aggregate classification (germline): Likely pathogenic (1 of 4 stars; one submission).

Allele frequency attached by ClinVar (database versions not stated): TOPMed 0.00002.

Submission:

ARUP Laboratories, Molecular Genetics and Genomics, ARUP Laboratories
Classification: Likely pathogenic. Last evaluated: 2018-06-11. Review status: criteria provided, single submitter. Criteria: ARUP Molecular Germline Variant Investigation Process. Collection method: clinical testing. Allele origin: germline.
Comment: The F8 c.6320G>A; p.Gly2107Asp variant, also known as Gly2088Asp, has been described in at least one individual affected with severe hemophilia A (Santacroce 2008). It is absent from general population databases (1000 Genomes Project, Exome Variant Server, and Genome Aggregation Database), indicating it is not a common polymorphism. The glycine at codon 2107 is highly conserved, and computational algorithms (PolyPhen-2, SIFT) predict that this variant is deleterious. Additionally, another missense variant at this codon (p.Gly2107Ser) and deletion of this amino acid (p.Gly2107del) have been reported in individuals affected with severe hemophilia and are considered pathogenic (see link to FVIII database and references therein). Based on available information, this variant is considered likely pathogenic. References: Factor VIII database: Santacroce R et al. Identification of 217 unreported mutations in the F8 gene in a group of 1,410 unselected Italian patients with hemophilia A. J Hum Genet. 2008;53(3):275-84.

NM_000132.4(F8):c.6320G>A (p.Gly2107Asp)

Gene: F8 (coagulation factor VIII; minus strand). Cytogenetic location: Xq28.
Variant type: single nucleotide variant.
Coding change: c.6320G>A on transcript NM_000132.4 (MANE Select); coding-DNA position 6320, G replaced by A.
Protein change: p.Gly2107Asp; replaces glycine 2107 with aspartic acid.
Molecular consequence: missense variant.
Genome position (GRCh38, 1-based): chrX:154,896,186, C>T on the plus strand (G>A on the coding strand, the complement: F8 is on the minus strand). VCF-style: chrX-154896186-C-T. GRCh37 (hg19) VCF-style: chrX-154124461-C-T.
Other names: short protein forms G2107D.
Identifiers: ClinVar variation 618106 (VCV000618106.8), dbSNP rs1190705187, ClinGen allele CA414900052.